The following is an entry in ClinVar:

ClinVar aggregate classification (germline): Uncertain significance (1 of 4 stars; one submission).

Allele frequency attached by ClinVar (database versions not stated): gnomAD exomes 0.00001; ExAC 0.00002.
gnomAD v4.1: 4 of 1,613,844 alleles (0.00025%); highest among the groups gnomAD compares: Admixed American, 0.0067%; no homozygotes.

Submission:

Labcorp Genetics (formerly Invitae), Labcorp
Classification: Uncertain significance. Last evaluated: 2022-01-05. Review status: criteria provided, single submitter. Criteria: Invitae Variant Classification Sherloc (09022015). Collection method: clinical testing. Allele origin: germline.
Comment: Algorithms developed to predict the effect of missense changes on protein structure and function are either unavailable or do not agree on the potential impact of this missense change (SIFT: "Tolerated"; PolyPhen-2: "Probably Damaging"; Align-GVGD: "Class C0"). This sequence change replaces arginine, which is basic and polar, with proline, which is neutral and non-polar, at codon 433 of the LPIN1 protein (p.Arg433Pro). This variant is present in population databases (rs772350717, gnomAD 0.009%). This variant has not been reported in the literature in individuals affected with LPIN1-related conditions. In summary, the available evidence is currently insufficient to determine the role of this variant in disease. Therefore, it has been classified as a Variant of Uncertain Significance.

NM_001349206.2(LPIN1):c.1406G>C (p.Arg469Pro)

Genes: LPIN1 (lipin 1; plus strand), LOC122756382 (Sharpr-MPRA regulatory region 7856; plus strand). Cytogenetic location: 2p25.1.
Variant type: single nucleotide variant.
Coding change: c.1406G>C on transcript NM_001349206.2 (MANE Select); coding-DNA position 1406, G replaced by C.
Protein change: p.Arg469Pro; replaces arginine 469 with proline.
Molecular consequence: missense variant. On other transcripts: non-coding transcript variant (1).
Genome position (GRCh38, 1-based): chr2:11,784,933, G>C. VCF-style: chr2-11784933-G-C. GRCh37 (hg19) VCF-style: chr2-11925059-G-C.
Other names: c.1316G>C, p.Arg439Pro (NM_001261427.3); c.1553G>C, p.Arg518Pro (NM_001261428.3); c.1298G>C, p.Arg433Pro (NM_001349199.2, NM_001349200.2, NM_001349201.2 and 1 more transcripts); c.1403G>C, p.Arg468Pro (NM_001349202.2, NM_001349203.2); c.1406G>C, p.Arg469Pro (NM_001349204.2, NM_001349205.2); c.1496G>C, p.Arg499Pro (NM_001349207.2); c.1445G>C, p.Arg482Pro (NM_001349208.2); short protein forms R433P, R468P, R469P, R518P, R439P, R482P, R499P.
Identifiers: ClinVar variation 1954465 (VCV001954465.4), dbSNP rs772350717, ClinGen allele CA1533713.